The following is an entry in ClinVar:

ClinVar aggregate classification (germline): Likely pathogenic (1 of 4 stars; one submission).

Conditions:
Hereditary cancer-predisposing syndrome. Also called: Tumor predisposition; Hereditary Cancer Syndrome; Neoplastic Syndromes, Hereditary; Hereditary neoplastic syndrome. Identifiers: Orphanet 140162, MedGen C0027672, MeSH D009386, MONDO:0015356.

Submission:

Ambry Genetics
Classification: Likely pathogenic for Hereditary cancer-predisposing syndrome. Last evaluated: 2025-01-30. Review status: criteria provided, single submitter. Criteria: Ambry Variant Classification Scheme 2023. Collection method: clinical testing. Allele origin: germline.
Comment: The c.3065T>G variant (also known as p.I1022S), located in coding exon 19 of the ATM gene, results from a T to G substitution at nucleotide position 3065. The isoleucine at codon 1022 is replaced by serine, an amino acid with dissimilar properties. This amino acid position is poorly conserved in available vertebrate species. In addition, the protein in silico prediction for this alteration is inconclusive. In silico splice site analysis predicts that this alteration will result in the creation or strengthening of a novel splice donor site. RNA studies detected abnormal splicing in the set of samples tested (Ambry internal data). This variant is considered to be rare based on population cohorts in the Genome Aggregation Database (gnomAD). Based on the majority of available evidence to date, this variant is likely to be pathogenic.

NM_000051.4(ATM):c.3065T>G (p.Ile1022Ser)

Gene: ATM (ATM serine/threonine kinase; plus strand). Cytogenetic location: 11q22.3.
Variant type: single nucleotide variant.
Coding change: c.3065T>G on transcript NM_000051.4 (MANE Select); coding-DNA position 3065, T replaced by G.
Protein change: p.Ile1022Ser; replaces isoleucine 1022 with serine.
Molecular consequence: missense variant.
Genome position (GRCh38, 1-based): chr11:108,271,394, T>G. VCF-style: chr11-108271394-T-G. GRCh37 (hg19) VCF-style: chr11-108142121-T-G.
Other names: c.3065T>G, p.Ile1022Ser (NM_001351834.2); short protein forms I1022S.
Identifiers: ClinVar variation 822772 (VCV000822772.5), dbSNP rs1591604769, ClinGen allele CA382547669.
Genomic context (GRCh38, chr11:108,271,394, plus strand): 5'-GTCAAAGCAATATGGACTCTGAGAACACAAGGGATGCTCAAGGACAGTTTCTTACAGTAA[T>G]TGGAGCATTTTGGTAGGTACAGTCTATTTTGTGGTCCTATTTTTCTTTTGCTATCTGTGG-3'
Protein context (NP_000042.3, residues 1012-1032): RDAQGQFLTV[Ile1022Ser]GAFWHLTKER